The following is an entry in ClinVar:

ClinVar aggregate classification (germline): Uncertain significance. Review status: criteria provided, multiple submitters, no conflicts (2 of 4 stars). 6 submissions from 6 submitters: Uncertain significance (6). Last evaluated 2025-09-24.

Conditions:
Hereditary pancreatitis (PCTT). Also called: PRSS1-Related Hereditary Pancreatitis; Hereditary chronic pancreatitis. Identifiers: Orphanet 676, MedGen C0238339, MONDO:0008185, OMIM 167800.
Tropical pancreatitis. Identifiers: Orphanet 103918, MedGen C1842402, MONDO:0011986, OMIM 608189.

Allele frequency attached by ClinVar (database versions not stated): 1000 Genomes Project 30x 0.00016; gnomAD 0.00019; 1000 Genomes Project 0.00020; TOPMed 0.00020; ESP Exome Variant Server 0.00022.
gnomAD v4.1: 283 of 1,608,372 alleles (0.018%); highest among the groups gnomAD compares: Middle Eastern, 0.033%; no homozygotes.

Submissions (6):

Labcorp Genetics (formerly Invitae), Labcorp
Classification: Uncertain significance for Hereditary pancreatitis. Last evaluated: 2025-09-24. Review status: criteria provided, single submitter. Criteria: Invitae Variant Classification Sherloc (09022015). Collection method: clinical testing. Allele origin: germline.
Comment: This variant occurs in a non-coding region of the SPINK1 gene. It does not change the encoded amino acid sequence of the SPINK1 protein. This variant is present in population databases (rs367798627, gnomAD 0.1%). This variant has been observed in individual(s) with chronic pancreatitis (PMID: 10835640, 21610753, 22427236, 27171515). ClinVar contains an entry for this variant (Variation ID: 565669). Algorithms developed to predict the effect of variants on gene product structure and function are not available or were not evaluated for this variant. Experimental studies have shown that this variant affects SPINK1 function (PMID: 21610753). In summary, the available evidence is currently insufficient to determine the role of this variant in disease. Therefore, it has been classified as a Variant of Uncertain Significance.

Fulgent Genetics
Classification: Uncertain significance for Hereditary pancreatitis; Tropical pancreatitis. Last evaluated: 2024-06-14. Review status: criteria provided, single submitter. Criteria: ACMG Guidelines, 2015. Collection method: clinical testing. Allele origin: germline.

Blueprint Genetics
Classification: Uncertain significance. Last evaluated: 2023-09-05. Review status: criteria provided, single submitter. Criteria: ACMG Guidelines, 2015. Collection method: clinical testing. Allele origin: germline.

ARUP Laboratories, Molecular Genetics and Genomics, ARUP Laboratories
Classification: Uncertain significance. Last evaluated: 2022-12-20. Review status: criteria provided, single submitter. Criteria: ARUP Molecular Germline Variant Investigation Process 2024. Collection method: clinical testing. Allele origin: germline.
Comment: The SPINK1 c.-53C>T variant (rs367798627) is reported in individuals with pancreatitis (Boulling 2011, Derikx 2015, Palermo 2016, Rosendahl 2013, Witt 2000), and is reported in ClinVar (Variation ID: 565669). Functional studies demonstrate reduced protein expression (Calvo 2009) or reduced promoter activity (Boulling 2011, Derikx 2015), but it's unknown whether the reduction is sufficient to cause disease. This variant is only found on five alleles in the Genome Aggregation Database, indicating it is not a common polymorphism. This variant is located in the 5' untranslated region and creates a novel protein translation start codon that if utilized may cause a frameshift. Due to limited information, the clinical significance of this variant is uncertain at this time. References: Boulling A et al. Assessing the pathological relevance of SPINK1 promoter variants. Eur J Hum Genet. 2011 Oct;19(10):1066-73. PMID: 21610753. Calvo SE et al. Upstream open reading frames cause widespread reduction of protein expression and are polymorphic among humans. Proc Natl Acad Sci U S A. 2009 May 5;106(18):7507-12. PMID: 19372376. Derikx MH et al. Functional significance of SPINK1 promoter variants in chronic pancreatitis. Am J Physiol Gastrointest Liver Physiol. 2015 May 1;308(9):G779-84. PMID: 25792561. Palermo JJ et al. Genophenotypic Analysis of Pediatric Patients With Acute Recurrent and Chronic Pancreatitis. Pancreas. 2016 Oct;45(9):1347-52. PMID: 27171515. Rosendahl J et al. CFTR, SPINK1, CTRC and PRSS1 variants in chronic pancreatitis: is the role of mutated CFTR overestimated? Gut. 2013 Apr;62(4):582-92. PMID: 22427236. Witt H et al. Mutations in the gene encoding the serine protease inhibitor, Kazal type 1 are associated with chronic pancreatitis. Nat Genet. 2000 Jun;25(2):213-6. PMID: 10835640.

Ambry Genetics
Classification: Uncertain significance for Hereditary pancreatitis. Last evaluated: 2021-06-25. Review status: criteria provided, single submitter. Criteria: Ambry Variant Classification Scheme 2023. Collection method: clinical testing. Allele origin: germline.
Comment: The c.-53C>T variant is located in the 5' untranslated region (5&rsquo; UTR) of the SPINK1 gene. This variant results from a C to T substitution 53 bases upstream from the first translated codon. This nucleotide position is conserved through primates. The variant has been detected in multiple individuals with pancreatitis (Witt H et al. Nat. Genet., 2000 Jun;25:213-6; Boulling A et al. Eur. J. Hum. Genet., 2011 Oct;19:1066-73; Rosendahl J et al. Gut, 2013 Apr;62:582-92; Palermo JJ et al. Pancreas, 2016 10;45:1347-52). Functional studies showed that this alteration reduces the SPINK1 promoter activity (Boulling A et al. Eur. J. Hum. Genet., 2011 Oct;19:1066-73; Derikx MH et al. Am. J. Physiol. Gastrointest. Liver Physiol., 2015 May;308:G779-84). Another study showed that the variant may reduce protein expression, rather than mRNA expression, by creating upstream open reading frame (Calvo SE et al. Proc. Natl. Acad. Sci. U.S.A., 2009 May;106:7507-12). However, it is unknown whether the reduced expression is sufficient to cause disease. In addition, the variant has been detected in multiple unaffected individuals at our laboratory. Since supporting evidence is limited at this time, the clinical significance of this alteration remains unclear.

Illumina Laboratory Services, Illumina
Classification: Uncertain significance for Hereditary pancreatitis. Last evaluated: 2017-04-27. Review status: criteria provided, single submitter. Criteria: ICSL Variant Classification Criteria 13 December 2019. Collection method: clinical testing. Allele origin: germline.
Comment: This variant was observed as part of a predisposition screen in an ostensibly healthy population. A literature search was performed for the gene, cDNA change, and amino acid change (where applicable). Publications were found based on this search. However, the evidence from the literature, in combination with allele frequency data from public databases where available, was not sufficient to rule this variant in or out of causing disease. Therefore, this variant is classified as a variant of unknown significance.

Literature cited by the submitters: PubMed 10835640 (cited by 3 submitters); PubMed 21610753 (cited by 3 submitters); PubMed 22427236 (cited by Labcorp Genetics (formerly Invitae), Labcorp and Ambry Genetics); PubMed 27171515 (cited by Labcorp Genetics (formerly Invitae), Labcorp and Ambry Genetics); PubMed 19372376 (cited by Ambry Genetics); PubMed 25792561 (cited by Ambry Genetics).

NM_001379610.1(SPINK1):c.-53C>T

Gene: SPINK1 (serine peptidase inhibitor Kazal type 1; minus strand). Cytogenetic location: 5q32.
Variant type: single nucleotide variant.
Coding change: c.-53C>T on transcript NM_001379610.1 (MANE Select); 53 bases upstream of the start codon, C replaced by T.
Molecular consequence: 5 prime UTR variant.
Genome position (GRCh38, 1-based): chr5:147,831,630, G>A on the plus strand (C>T on the coding strand, the complement: SPINK1 is on the minus strand). VCF-style: chr5-147831630-G-A. GRCh37 (hg19) VCF-style: chr5-147211193-G-A.
Other names: c.-53C>T (NM_001354966.2, NM_003122.5).
Identifiers: ClinVar variation 565669 (VCV000565669.18), dbSNP rs367798627, ClinGen allele CA129690375.